The following is an entry in ClinVar:

NM_052947.4(ALPK2):c.2626T>A (p.Cys876Ser)

Gene: ALPK2 (alpha kinase 2; minus strand). Cytogenetic location: 18q21.31.
Variant type: single nucleotide variant.
Coding change: c.2626T>A on transcript NM_052947.4 (MANE Select); coding-DNA position 2626, T replaced by A.
Protein change: p.Cys876Ser; replaces cysteine 876 with serine.
Molecular consequence: missense variant.
Genome position (GRCh38, 1-based): chr18:58,537,561, A>T on the plus strand (T>A on the coding strand, the complement: ALPK2 is on the minus strand). VCF-style: chr18-58537561-A-T. GRCh37 (hg19) VCF-style: chr18-56204793-A-T.
Other names: short protein forms C876S.
Identifiers: ClinVar variation 1794005 (VCV001794005.2), dbSNP rs2518877439, ClinGen allele CA402570131.

ClinVar aggregate classification (germline): Uncertain significance (1 of 4 stars; one submission).

Submission:

Ambry Genetics
Classification: Uncertain significance. Last evaluated: 2022-10-17. Review status: criteria provided, single submitter. Criteria: Ambry Variant Classification Scheme 2023. Collection method: clinical testing. Allele origin: germline.
Comment: The p.C876S variant (also known as c.2626T>A), located in coding exon 4 of the ALPK2 gene, results from a T to A substitution at nucleotide position 2626. The cysteine at codon 876 is replaced by serine, an amino acid with dissimilar properties. This amino acid position is conserved. In addition, this alteration is predicted to be tolerated by in silico analysis. Since supporting evidence is limited at this time, the clinical significance of this alteration remains unclear.